The following is an entry in ClinVar:

ClinVar aggregate classification (germline): Likely pathogenic (1 of 4 stars; one submission).

Allele frequency attached by ClinVar (database versions not stated): gnomAD exomes below 0.00001; gnomAD 0.00001; TOPMed 0.00001.
gnomAD v4.1: 3 of 1,614,008 alleles (0.00019%); highest among the groups gnomAD compares: Non-Finnish European, 0.00017%; no homozygotes.

Submission:

Labcorp Genetics (formerly Invitae), Labcorp
Classification: Likely pathogenic. Last evaluated: 2023-04-03. Review status: criteria provided, single submitter. Criteria: Invitae Variant Classification Sherloc (09022015). Collection method: clinical testing. Allele origin: germline.
Comment: In summary, the currently available evidence indicates that the variant is pathogenic, but additional data are needed to prove that conclusively. Therefore, this variant has been classified as Likely Pathogenic. This variant disrupts the p.Thr229 amino acid residue in ABCC8. Other variant(s) that disrupt this residue have been determined to be pathogenic (PMID: 17668386, 17919176). This suggests that this residue is clinically significant, and that variants that disrupt this residue are likely to be disease-causing. Advanced modeling of protein sequence and biophysical properties (such as structural, functional, and spatial information, amino acid conservation, physicochemical variation, residue mobility, and thermodynamic stability) performed at Invitae indicates that this missense variant is expected to disrupt ABCC8 protein function. This variant has not been reported in the literature in individuals affected with ABCC8-related conditions. This variant is not present in population databases (gnomAD no frequency). This sequence change replaces threonine, which is neutral and polar, with alanine, which is neutral and non-polar, at codon 229 of the ABCC8 protein (p.Thr229Ala).

Literature cited by the submitters: PubMed 17668386; PubMed 17919176.

NM_000352.6(ABCC8):c.685A>G (p.Thr229Ala)

Gene: ABCC8 (ATP binding cassette subfamily C member 8; minus strand). Cytogenetic location: 11p15.1.
Variant type: single nucleotide variant.
Coding change: c.685A>G on transcript NM_000352.6 (MANE Select); coding-DNA position 685, A replaced by G.
Protein change: p.Thr229Ala; replaces threonine 229 with alanine.
Molecular consequence: missense variant. On other transcripts: non-coding transcript variant (1).
Genome position (GRCh38, 1-based): chr11:17,461,720, T>C on the plus strand (A>G on the coding strand, the complement: ABCC8 is on the minus strand). VCF-style: chr11-17461720-T-C. GRCh37 (hg19) VCF-style: chr11-17483267-T-C.
Other names: c.685A>G, p.Thr229Ala (NM_001287174.3, NM_001351295.2, NM_001351296.2 and 1 more transcripts); short protein forms T229A.
Identifiers: ClinVar variation 2851607 (VCV002851607.3), dbSNP rs984164636, ClinGen allele CA218452094.